The following is an entry in ClinVar:

NM_025137.4(SPG11):c.5860C>T (p.His1954Tyr)

Gene: SPG11 (SPG11 vesicle trafficking associated, spatacsin; minus strand). Cytogenetic location: 15q21.1.
Variant type: single nucleotide variant.
Coding change: c.5860C>T on transcript NM_025137.4 (MANE Select); coding-DNA position 5860, C replaced by T.
Protein change: p.His1954Tyr; replaces histidine 1954 with tyrosine.
Molecular consequence: missense variant.
Genome position (GRCh38, 1-based): chr15:44,583,820, G>A on the plus strand (C>T on the coding strand, the complement: SPG11 is on the minus strand). VCF-style: chr15-44583820-G-A. GRCh37 (hg19) VCF-style: chr15-44876018-G-A.
Other names: c.5860C>T, p.His1954Tyr (NM_001160227.2); short protein forms H1954Y.
Identifiers: ClinVar variation 466548 (VCV000466548.7), dbSNP rs368382627, ClinGen allele CA7534334.

ClinVar aggregate classification (germline): Uncertain significance. Review status: criteria provided, multiple submitters, no conflicts (2 of 4 stars). 2 submissions from 2 submitters: Uncertain significance (2). Last evaluated 2022-03-02.

Conditions:
Inborn genetic diseases. Identifiers: MedGen C0950123, MeSH D030342.
Hereditary spastic paraplegia 11. Also called: SPASTIC PARAPLEGIA, AUTOSOMAL RECESSIVE, COMPLICATED, WITH THIN CORPUS CALLOSUM; SPASTIC PARAPLEGIA, AUTOSOMAL RECESSIVE, WITH MENTAL IMPAIRMENT AND THIN CORPUS CALLOSUM; Nakamura Osame syndrome; Autosomal recessive hereditary spastic paraplegia, mental impairment, and thin corpus callosum; Spastic paraplegia, mental retardation and thin corpus callosum; Spastic Paraplegia 11. Identifiers: Orphanet 2822, MedGen C1858479, MONDO:0011445, OMIM 604360.

Allele frequency attached by ClinVar (database versions not stated): ExAC 0.00001; gnomAD 0.00001; gnomAD exomes 0.00001 and 0.00002; TOPMed 0.00002; ESP Exome Variant Server 0.00008.
gnomAD v4.1: 15 of 1,613,956 alleles (0.00093%); highest among the groups gnomAD compares: Non-Finnish European, 0.0012%; no homozygotes.

Submissions (2):

Labcorp Genetics (formerly Invitae), Labcorp
Classification: Uncertain significance for Hereditary spastic paraplegia 11. Last evaluated: 2022-03-02. Review status: criteria provided, single submitter. Criteria: Invitae Variant Classification Sherloc (09022015). Collection method: clinical testing. Allele origin: germline.
Comment: This sequence change replaces histidine, which is basic and polar, with tyrosine, which is neutral and polar, at codon 1954 of the SPG11 protein (p.His1954Tyr). This variant is present in population databases (rs368382627, gnomAD 0.005%). This variant has not been reported in the literature in individuals affected with SPG11-related conditions. ClinVar contains an entry for this variant (Variation ID: 466548). Algorithms developed to predict the effect of missense changes on protein structure and function (SIFT, PolyPhen-2, Align-GVGD) all suggest that this variant is likely to be tolerated. In summary, the available evidence is currently insufficient to determine the role of this variant in disease. Therefore, it has been classified as a Variant of Uncertain Significance.

Ambry Genetics
Classification: Uncertain significance for Inborn genetic diseases. Last evaluated: 2020-03-31. Review status: criteria provided, single submitter. Criteria: Ambry Variant Classification Scheme 2023. Collection method: clinical testing. Allele origin: germline.
Comment: The p.H1954Y variant (also known as c.5860C>T), located in coding exon 30 of the SPG11 gene, results from a C to T substitution at nucleotide position 5860. The histidine at codon 1954 is replaced by tyrosine, an amino acid with similar properties. This amino acid position is poorly conserved in available vertebrate species. In addition, this alteration is predicted to be tolerated by in silico analysis. Since supporting evidence is limited at this time, the clinical significance of this alteration remains unclear.